The following is an entry in ClinVar:

NM_014244.5(ADAMTS2):c.2959-17C>T

Gene: ADAMTS2 (ADAM metallopeptidase with thrombospondin type 1 motif 2; minus strand). Cytogenetic location: 5q35.3.
Variant type: single nucleotide variant.
Coding change: c.2959-17C>T on transcript NM_014244.5 (MANE Select); 17 bases into the intron before coding-DNA position 2959, C replaced by T.
Molecular consequence: intron variant.
Genome position (GRCh38, 1-based): chr5:179,122,790, G>A on the plus strand (C>T on the coding strand, the complement: ADAMTS2 is on the minus strand). VCF-style: chr5-179122790-G-A. GRCh37 (hg19) VCF-style: chr5-178549791-G-A.
Identifiers: ClinVar variation 286180 (VCV000286180.16), dbSNP rs2303641, ClinGen allele CA3595348.

ClinVar aggregate classification (germline): Benign. Review status: criteria provided, multiple submitters, no conflicts (2 of 4 stars). 8 submissions from 8 submitters: Benign (6). 2 of the submissions do not count toward it. Last evaluated 2026-02-04.

Conditions:
Ehlers-Danlos syndrome, dermatosparaxis type. Also called: EDS VIIC; Ehlers-Danlos syndrome, type VII, autosomal recessive; Dermatosparaxis. Identifiers: Orphanet 1901, MedGen C2700425, MONDO:0009161, OMIM 225410.

Allele frequency attached by ClinVar (database versions not stated): gnomAD 0.22267 and 0.21622; TOPMed 0.22282; 1000 Genomes Project 30x 0.24672; 1000 Genomes Project 0.25240; gnomAD exomes 0.28093; ESP Exome Variant Server 0.18732; ExAC 0.29704.
gnomAD v4.1: 389,371 of 1,552,794 alleles (25%); highest among the groups gnomAD compares: East Asian, 37%; 50,780 homozygotes.

Submissions (8):

Labcorp Genetics (formerly Invitae), Labcorp
Classification: Benign for Ehlers-Danlos syndrome, dermatosparaxis type. Last evaluated: 2026-02-04. Review status: criteria provided, single submitter. Criteria: Invitae Variant Classification Sherloc (09022015). Collection method: clinical testing. Allele origin: germline.

Blueprint Genetics
Classification: Benign. Last evaluated: 2024-11-26. Review status: criteria provided, single submitter. Criteria: ACMG Guidelines, 2015. Collection method: clinical testing. Allele origin: germline.

Genome-Nilou Lab
Classification: Benign for Ehlers-Danlos syndrome, dermatosparaxis type. Last evaluated: 2021-07-10. Review status: criteria provided, single submitter. Criteria: ACMG Guidelines, 2015. Collection method: clinical testing. Allele origin: germline. Affected: no.

Women's Health and Genetics/Laboratory Corporation of America, LabCorp
Classification: Benign. Last evaluated: 2016-11-25. Review status: criteria provided, single submitter. Criteria: LabCorp Variant Classification Summary - May 2015. Collection method: clinical testing. Allele origin: germline.
Comment: Variant summary: The ADAMTS2 c.2959-17C>T variant involves the alteration of a non-conserved intronic nucleotide. One in silico tool predicts a benign outcome for this variant. 5/5 splice prediction tools predict no significant impact on normal splicing. However, this variant may create a novel 5' splicing donor site. These predictions have yet to be confirmed by functional studies. This variant was found in 6160/20738 control chromosomes (887 homozygotes) at a frequency of 0.2970393, which is approximately 103 times the estimated maximal expected allele frequency of a pathogenic ADAMTS2 variant (0.0028868), suggesting this variant is likely a benign polymorphism. In addition, the variant of interest has been cited as Benign by a reputable database/clinical laboratory. Taken together, this variant is classified as benign.

GeneDx
Classification: Benign. Last evaluated: 2016-10-06. Review status: criteria provided, single submitter. Criteria: GeneDx Variant Classification (06012015). Collection method: clinical testing. Allele origin: germline. Affected: yes.
Comment: This variant is considered likely benign or benign based on one or more of the following criteria: it is a conservative change, it occurs at a poorly conserved position in the protein, it is predicted to be benign by multiple in silico algorithms, and/or has population frequency not consistent with disease.

Eurofins Ntd Llc (ga)
Classification: Benign. Last evaluated: 2016-02-05. Review status: criteria provided, single submitter. Criteria: EGL Classification Definitions 2015. Collection method: clinical testing. Allele origin: germline. Observed: 19 variant alleles, 13 heterozygotes, 6 homozygotes.

Genome Diagnostics Laboratory, Amsterdam University Medical Center
Classification: Benign for Ehlers-Danlos syndrome, dermatosparaxis type. Last evaluated: 2014-02-04. Review status: no assertion criteria provided. Criteria: ACGS Guidelines, 2013. Collection method: clinical testing. Allele origin: germline. Affected: yes. Study: VKGL Data-share Consensus. Not counted in ClinVar's aggregate classification.

Diagnostic Laboratory, Department of Genetics, University Medical Center Groningen
Classification: Benign for Ehlers-Danlos syndrome, dermatosparaxis type. Review status: no assertion criteria provided. Collection method: clinical testing. Allele origin: germline. Affected: yes. Study: VKGL Data-share Consensus. Not counted in ClinVar's aggregate classification.